The following is an entry in ClinVar:

NM_174936.4(PCSK9):c.1455C>T (p.Ser485=)

Gene: PCSK9 (proprotein convertase subtilisin/kexin type 9; plus strand). Cytogenetic location: 1p32.3.
Variant type: single nucleotide variant.
Coding change: c.1455C>T on transcript NM_174936.4 (MANE Select); coding-DNA position 1455, C replaced by T.
Protein change: p.Ser485=; no amino-acid change (serine 485 retained).
Molecular consequence: synonymous variant. On other transcripts: non-coding transcript variant (8), intron variant (1).
Genome position (GRCh38, 1-based): chr1:55,058,599, C>T. VCF-style: chr1-55058599-C-T. GRCh37 (hg19) VCF-style: chr1-55524272-C-T.
Other names: c.1578C>T, p.Ser526= (NM_001407240.1); c.1455C>T, p.Ser485= (NM_001407241.1); c.1458C>T, p.Ser486= (NM_001407242.1); c.1398C>T, p.Ser466= (NM_001407243.1); c.1281C>T, p.Ser427= (NM_001407244.1); c.1263C>T, p.Ser421= (NM_001407245.1); c.1080C>T, p.Ser360= (NM_001407246.1); c.1180+1085C>T (NM_001407247.1).
Identifiers: ClinVar variation 3073192 (VCV003073192.3), dbSNP rs148683687, ClinGen allele CA417960320.
Genomic context (GRCh38, chr1:55,058,599, plus strand): 5'-GGGGCCTACACGGATGGCCACAGCCGTCGCCCGCTGCGCCCCAGATGAGGAGCTGCTGAG[C>T]TGCTCCAGTTTCTCCAGGAGTGGGAAGCGGCGGGGCGAGCGCATGGAGGTGACTGTACCC-3'
Protein context (NP_777596.2, residues 475-495): ARCAPDEELL[Ser485=]CSSFSRSGKR

ClinVar aggregate classification (germline): Likely benign. Review status: criteria provided, multiple submitters, no conflicts (2 of 4 stars). 3 submissions from 3 submitters: Likely benign (3). Last evaluated 2026-01-31.

Conditions:
Hypercholesterolemia, autosomal dominant, 3 (FHCL3). Also called: Familial Hypercholesterolemia, Autosomal Dominant, 3; Familial hypercholesterolemia 3; PCSK9-Related Familial Hypercholesterolemia, Autosomal Dominant. Identifiers: MedGen C1863551, MONDO:0011369, OMIM 603776.
Cardiovascular phenotype. Identifiers: MedGen CN230736.
Familial hypercholesterolemia. Also called: Familial hypercholesterolaemia; Familial hypercholesterolemias. Identifiers: MedGen C0020445, MONDO:0005439.

Submissions (3):

Ambry Genetics
Classification: Likely benign for Cardiovascular phenotype. Last evaluated: 2026-01-31. Review status: criteria provided, single submitter. Criteria: Ambry Variant Classification Scheme 2023. Collection method: clinical testing. Allele origin: germline.

All of Us Research Program, National Institutes of Health
Classification: Likely benign for Hypercholesterolemia, autosomal dominant, 3. Last evaluated: 2023-08-28. Review status: criteria provided, single submitter. Criteria: ACMG Guidelines, 2015. Collection method: clinical testing. Allele origin: germline. Inheritance: Autosomal dominant inheritance. Observed: 1 variant allele, 1 heterozygote.
Comment: This study involves interpretation of variants in research participants for the purpose of population health screening. Participant phenotype was not available at the time of variant classification. Additional details can be found in publication PMID: 35346344, PMCID: PMC8962531

Color Diagnostics, LLC DBA Color Health
Classification: Likely benign for Familial hypercholesterolemia. Last evaluated: 2023-08-23. Review status: criteria provided, single submitter. Criteria: ACMG Guidelines, 2015. Collection method: clinical testing. Allele origin: germline.